The following is an entry in ClinVar:

ClinVar aggregate classification (germline): Uncertain significance. Review status: criteria provided, multiple submitters, no conflicts (2 of 4 stars). 2 submissions from 2 submitters: Uncertain significance (2). Last evaluated 2026-02-02.

Allele frequency attached by ClinVar (database versions not stated): gnomAD exomes below 0.00001; ExAC 0.00001.
gnomAD v4.1: 2 of 1,601,764 alleles (0.00012%); highest among the groups gnomAD compares: Admixed American, 0.0033%; no homozygotes.

Submissions (2):

Labcorp Genetics (formerly Invitae), Labcorp
Classification: Uncertain significance. Last evaluated: 2026-02-02. Review status: criteria provided, single submitter. Criteria: Invitae Variant Classification Sherloc (09022015). Collection method: clinical testing. Allele origin: germline.
Comment: This sequence change replaces threonine, which is neutral and polar, with alanine, which is neutral and non-polar, at codon 417 of the KLF11 protein (p.Thr417Ala). This variant is present in population databases (rs761022099, gnomAD 0.006%). This variant has not been reported in the literature in individuals affected with KLF11-related conditions. ClinVar contains an entry for this variant (Variation ID: 3115265). An algorithm developed to predict the effect of missense changes on protein structure and function (PolyPhen-2) suggests that this variant is likely to be disruptive. In summary, the available evidence is currently insufficient to determine the role of this variant in disease. Therefore, it has been classified as a Variant of Uncertain Significance.

Ambry Genetics
Classification: Uncertain significance. Last evaluated: 2023-12-22. Review status: criteria provided, single submitter. Criteria: Ambry Variant Classification Scheme 2023. Collection method: clinical testing. Allele origin: germline.

NM_003597.5(KLF11):c.1249A>G (p.Thr417Ala)

Gene: KLF11 (KLF transcription factor 11; plus strand). Cytogenetic location: 2p25.1.
Variant type: single nucleotide variant.
Coding change: c.1249A>G on transcript NM_003597.5 (MANE Select); coding-DNA position 1249, A replaced by G.
Protein change: p.Thr417Ala; replaces threonine 417 with alanine.
Molecular consequence: missense variant.
Genome position (GRCh38, 1-based): chr2:10,048,586, A>G. VCF-style: chr2-10048586-A-G. GRCh37 (hg19) VCF-style: chr2-10188713-A-G.
Other names: c.1198A>G, p.Thr400Ala (NM_001177716.2, NM_001177718.2); short protein forms T417A, T400A.
Identifiers: ClinVar variation 3115265 (VCV003115265.2), dbSNP rs761022099, ClinGen allele CA1525718.